The following is an entry in ClinVar:

ClinVar aggregate classification (germline): Uncertain significance. Review status: criteria provided, multiple submitters, no conflicts (2 of 4 stars). 5 submissions from 5 submitters: Uncertain significance (5). Last evaluated 2025-10-11.

Conditions:
Hereditary cancer-predisposing syndrome. Also called: Tumor predisposition; Hereditary Cancer Syndrome; Hereditary neoplastic syndrome; Neoplastic Syndromes, Hereditary. Identifiers: Orphanet 140162, MedGen C0027672, MeSH D009386, MONDO:0015356.
Familial cancer of breast. Also called: hereditary breast carcinoma; BREAST CANCER, FAMILIAL; Hereditary breast cancer. Identifiers: Orphanet 227535, MedGen C0346153, MONDO:0016419, OMIM 114480. Disease mechanism: loss of function.
Ataxia-telangiectasia syndrome (AT). Also called: Ataxia telangiectasia (A-T); LOUIS-BAR SYNDROME; Cerebello-oculocutaneous telangiectasia; Immunodeficiency with ataxia telangiectasia; ATAXIA-TELANGIECTASIA, COMPLEMENTATION GROUP A; ATAXIA-TELANGIECTASIA, FRESNO VARIANT. Identifiers: Orphanet 100, MedGen C0004135, MONDO:0008840, OMIM 208900.

Submissions (5):

Quest Diagnostics Nichols Institute San Juan Capistrano
Classification: Uncertain significance. Last evaluated: 2025-10-11. Review status: criteria provided, single submitter. Criteria: Quest Diagnostics criteria. Collection method: clinical testing. Allele origin: unknown.

Labcorp Genetics (formerly Invitae), Labcorp
Classification: Uncertain significance for Ataxia-telangiectasia syndrome. Last evaluated: 2025-01-24. Review status: criteria provided, single submitter. Criteria: Invitae Variant Classification Sherloc (09022015). Collection method: clinical testing. Allele origin: germline.
Comment: This variant, c.1095_1101delinsA, results in the deletion of two amino acid(s) of the ATM protein (p.Ile366_Ser367del), but otherwise preserves the integrity of the reading frame. Information on the frequency of this variant in the gnomAD database is not available, as this variant may be reported differently in the database. This variant has not been reported in the literature in individuals affected with ATM-related conditions. Experimental studies and prediction algorithms are not available or were not evaluated, and the functional significance of this variant is currently unknown. In summary, the available evidence is currently insufficient to determine the role of this variant in disease. Therefore, it has been classified as a Variant of Uncertain Significance.

Ambry Genetics
Classification: Uncertain significance for Hereditary cancer-predisposing syndrome. Last evaluated: 2024-05-24. Review status: criteria provided, single submitter. Criteria: Ambry Variant Classification Scheme 2023. Collection method: clinical testing. Allele origin: germline.
Comment: The c.1095_1101delGATTTCTinsA variant, located in coding exon 8 of the ATM gene, results from an in-frame deletion of GATTTCT and insertion of A at nucleotide positions 1095 to 1101. This results in the in-frame deletion of the isoleucine and serine residues at codons 366 and 367 (p.I366_S367del). This amino acid region is highly conserved in available vertebrate species. In addition, the in silico prediction for this alteration is inconclusive (Choi Y et al. PLoS ONE. 2012; 7(10):e46688). Based on the available evidence, the clinical significance of this variant remains unclear.

Baylor Genetics
Classification: Uncertain significance for Familial cancer of breast. Last evaluated: 2023-11-30. Review status: criteria provided, single submitter. Criteria: ACMG Guidelines, 2015. Collection method: clinical testing. Allele origin: unknown.

Color Diagnostics, LLC DBA Color Health
Classification: Uncertain significance for Hereditary cancer-predisposing syndrome. Last evaluated: 2019-04-10. Review status: criteria provided, single submitter. Criteria: ACMG Guidelines, 2015. Collection method: clinical testing. Allele origin: germline.

NM_000051.4(ATM):c.1095_1101delinsA (p.Ile366_Ser367del)

Gene: ATM (ATM serine/threonine kinase; plus strand). Cytogenetic location: 11q22.3.
Variant type: Indel.
Coding change: c.1095_1101delinsA on transcript NM_000051.4 (MANE Select); coding-DNA positions 1095 to 1101, GATTTCT replaced by A.
Protein change: p.Ile366_Ser367del.
Molecular consequence: inframe deletion.
Genome position (GRCh38, 1-based): chr11:108,248,962-108,248,968, GATTTCT replaced by A. VCF-style: chr11-108248962-GATTTCT-A. GRCh37 (hg19) VCF-style: chr11-108119689-GATTTCT-A.
Other names: c.1095_1101delinsA, p.Ile366_Ser367del (NM_001351834.2).
Identifiers: ClinVar variation 236661 (VCV000236661.16), dbSNP rs878853481, ClinGen allele CA10582790.